The following is an entry in ClinVar:

NM_004415.4(DSP):c.710A>G (p.Lys237Arg)

Gene: DSP (desmoplakin; plus strand). Cytogenetic location: 6p24.3.
Variant type: single nucleotide variant.
Coding change: c.710A>G on transcript NM_004415.4 (MANE Select); coding-DNA position 710, A replaced by G.
Protein change: p.Lys237Arg; replaces lysine 237 with arginine.
Molecular consequence: missense variant.
Genome position (GRCh38, 1-based): chr6:7,562,764, A>G. VCF-style: chr6-7562764-A-G. GRCh37 (hg19) VCF-style: chr6-7562997-A-G.
Other names: c.710A>G, p.Lys237Arg (NM_001406591.1, NM_001008844.3, NM_001319034.2); short protein forms K237R.
Identifiers: ClinVar variation 4757023 (VCV004757023.1).

ClinVar aggregate classification (germline): Uncertain significance (1 of 4 stars; one submission).

Conditions:
Cardiomyopathy (CMYO). Also called: Cardiomyopathies. Identifiers: Orphanet 167848, MedGen C0878544, MONDO:0004994, HP:0001638. Inheritance: Various modes of inheritance.

gnomAD v4.1: 2 of 1,614,166 alleles (0.00012%); highest among the groups gnomAD compares: African/African-American, 0.0013%; no homozygotes.

Submission:

Color Diagnostics, LLC DBA Color Health
Classification: Uncertain significance for Cardiomyopathy. Last evaluated: 2025-06-23. Review status: criteria provided, single submitter. Criteria: ACMG Guidelines, 2015. Collection method: clinical testing. Allele origin: germline.
Comment: This missense variant replaces lysine with arginine at codon 237 of the DSP protein. Computational prediction suggests that this variant may not impact protein structure and function. To our knowledge, functional studies have not been reported for this variant. This variant has not been reported in individuals affected with DSP-related disorders in the literature. This variant has not been identified in the general population by the Genome Aggregation Database (gnomAD). The available evidence is insufficient to determine the role of this variant in disease conclusively. Therefore, this variant is classified as a Variant of Uncertain Significance.